The following is an entry in ClinVar:

NM_000163.5(GHR):c.409G>A (p.Asp137Asn)

Gene: GHR (growth hormone receptor; plus strand). Cytogenetic location: 5p12.
Variant type: single nucleotide variant.
Coding change: c.409G>A on transcript NM_000163.5 (MANE Select); coding-DNA position 409, G replaced by A.
Protein change: p.Asp137Asn; replaces aspartic acid 137 with asparagine.
Molecular consequence: missense variant.
Genome position (GRCh38, 1-based): chr5:42,695,059, G>A. VCF-style: chr5-42695059-G-A. GRCh37 (hg19) VCF-style: chr5-42695161-G-A.
Other names: c.430G>A, p.Asp144Asn (NM_001242399.2); c.409G>A, p.Asp137Asn (NM_001242400.2, NM_001242401.4, NM_001242402.2 and 5 more transcripts); c.343G>A, p.Asp115Asn (NM_001242460.2); short protein forms D137N, D115N, D144N.
Identifiers: ClinVar variation 5003007 (VCV005003007.1).

ClinVar aggregate classification (germline): Uncertain significance (1 of 4 stars; one submission).

Conditions:
Hypercholesterolemia, familial, 1. Also called: LDL RECEPTOR DISORDER; Hyperlipoproteinemia Type IIa; HYPER-LOW-DENSITY-LIPOPROTEINEMIA; HYPERCHOLESTEROLEMIC XANTHOMATOSIS, FAMILIAL; Fredrickson type IIa hyperlipoproteinemia; Hyperlipoproteinemia type 2. Identifiers: Orphanet 391665, MedGen C0745103, MONDO:0007750, OMIM 143890.

gnomAD v4.1: 3 of 1,611,490 alleles (0.00019%); highest among the groups gnomAD compares: Non-Finnish European, 0.00017%; no homozygotes.

Submission:

OLLIN Analises Genomicas, OLLIN
Classification: Uncertain significance for Hypercholesterolemia, familial, 1. Last evaluated: 2026-08-06. Review status: criteria provided, single submitter. Criteria: ACMG Guidelines 2015 PMID 25741868. Collection method: clinical testing. Allele origin: germline.
Comment: This missense variant, located in exon 5 (of 10), has been reported in ClinVar (accession VCV003853937.2), in gnomAD with an allele frequency of 0.00019%, and in the scientific literature in individuals with GHR related disorders (PMID: 20538865). In silico analysis predicts that this variant has a deleterious effect. According to the currently available evidence, this variant has been classified as uncertain significance (PP3, BP5).

Literature cited by the submitters: PubMed 20538865.